The following is an entry in ClinVar:

NM_001142864.4(PIEZO1):c.2052C>G (p.Ile684Met)

Genes: HSALR1 (HSP90AB1 associated lncRNA 1; plus strand), PIEZO1 (piezo type mechanosensitive ion channel component 1 (Er blood group); minus strand). Cytogenetic location: 16q24.3.
Variant type: single nucleotide variant.
Coding change: c.2052C>G on transcript NM_001142864.4 (MANE Select); coding-DNA position 2052, C replaced by G.
Protein change: p.Ile684Met; replaces isoleucine 684 with methionine.
Molecular consequence: missense variant.
Genome position (GRCh38, 1-based): chr16:88,734,484, G>C on the plus strand (C>G on the coding strand, the complement: PIEZO1 is on the minus strand). VCF-style: chr16-88734484-G-C. GRCh37 (hg19) VCF-style: chr16-88800892-G-C.
Other names: short protein forms I684M.
Identifiers: ClinVar variation 4994838 (VCV004994838.1).

ClinVar aggregate classification (germline): Uncertain significance (1 of 4 stars; one submission).

Conditions:
PIEZO1-related disorder. Also called: PIEZO1-Related Disorders; PIEZO1-related condition.

gnomAD v4.1: 10 of 1,549,420 alleles (0.00065%); highest among the groups gnomAD compares: South Asian, 0.011%; 1 homozygote.

Submission:

PreventionGenetics, part of Exact Sciences
Classification: Uncertain significance for PIEZO1-related condition. Last evaluated: 2025-12-30. Review status: criteria provided, single submitter. Criteria: ACMG Guidelines, 2015. Collection method: clinical testing. Allele origin: germline.
Comment: The PIEZO1 c.2052C>G variant is predicted to result in the amino acid substitution p.Ile684Met. To our knowledge, this variant has not been reported in the literature. This variant is reported in 0.0088% of alleles in individuals of South Asian descent in gnomAD. At this time, the clinical significance of this variant is uncertain due to the absence of conclusive functional and genetic evidence.